The following is an entry in ClinVar:

ClinVar aggregate classification (germline): Uncertain significance (1 of 4 stars; one submission).

Allele frequency attached by ClinVar (database versions not stated): gnomAD 0.00001; gnomAD exomes 0.00001; TOPMed 0.00002; ExAC 0.00003.

Submission:

Ambry Genetics
Classification: Uncertain significance. Last evaluated: 2023-12-19. Review status: criteria provided, single submitter. Criteria: Ambry Variant Classification Scheme 2023. Collection method: clinical testing. Allele origin: germline.
Comment: The p.I51V variant (also known as c.151A>G), located in coding exon 2 of the NQO1 gene, results from an A to G substitution at nucleotide position 151. The isoleucine at codon 51 is replaced by valine, an amino acid with highly similar properties. This amino acid position is conserved. In addition, this alteration is predicted to be tolerated by in silico analysis. Since supporting evidence is limited at this time, the clinical significance of this alteration remains unclear.

NM_000903.3(NQO1):c.151A>G (p.Ile51Val)

Gene: NQO1 (NAD(P)H quinone dehydrogenase 1; minus strand). Cytogenetic location: 16q22.1.
Variant type: single nucleotide variant.
Coding change: c.151A>G on transcript NM_000903.3 (MANE Select); coding-DNA position 151, A replaced by G.
Protein change: p.Ile51Val; replaces isoleucine 51 with valine.
Molecular consequence: missense variant.
Genome position (GRCh38, 1-based): chr16:69,718,391, T>C on the plus strand (A>G on the coding strand, the complement: NQO1 is on the minus strand). VCF-style: chr16-69718391-T-C. GRCh37 (hg19) VCF-style: chr16-69752294-T-C.
Other names: c.151A>G, p.Ile51Val (NM_001025433.2, NM_001025434.2, NM_001286137.2); short protein forms I51V.
Identifiers: ClinVar variation 1774388 (VCV001774388.2), dbSNP rs779061095, ClinGen allele CA8136308.